The following is an entry in ClinVar:

NM_000064.4(C3):c.1702G>A (p.Gly568Ser)

Gene: C3 (complement C3; minus strand). Cytogenetic location: 19p13.3.
Variant type: single nucleotide variant.
Coding change: c.1702G>A on transcript NM_000064.4 (MANE Select); coding-DNA position 1702, G replaced by A.
Protein change: p.Gly568Ser; replaces glycine 568 with serine.
Molecular consequence: missense variant.
Genome position (GRCh38, 1-based): chr19:6,709,827, C>T on the plus strand (G>A on the coding strand, the complement: C3 is on the minus strand). VCF-style: chr19-6709827-C-T. GRCh37 (hg19) VCF-style: chr19-6709838-C-T.
Other names: short protein forms G568S.
Identifiers: ClinVar variation 1377734 (VCV001377734.9), dbSNP rs749836289, ClinGen allele CA9129351.
Genomic context (GRCh38, chr19:6,709,827, plus strand): 5'-CACCCTCTATCTTCAGGGTCATCTGCTGCCCAGGTACAGGCTGCCGGTCTTCTGACTGGC[C>T]GCTTTTTACCACCAGCTGTGGGGAGGGTGGAGACGCCGAAAGAAGTCAGCCCTGGGAGAG-3'
Protein context (NP_000055.2, residues 558-578): SCVGSLVVKS[Gly568Ser]QSEDRQPVPG

ClinVar aggregate classification (germline): Uncertain significance. Review status: criteria provided, multiple submitters, no conflicts (2 of 4 stars). 2 submissions from 2 submitters: Uncertain significance (2). Last evaluated 2024-05-22.

Conditions:
Age related macular degeneration 9. Identifiers: MedGen C1969651, MONDO:0012659, OMIM 611378.
Atypical hemolytic-uremic syndrome with C3 anomaly. Also called: AHUS, SUSCEPTIBILITY TO, 5. Identifiers: Orphanet 2134, MedGen C2752037, MONDO:0013043, OMIM 612925.
Complement component 3 deficiency. Identifiers: Orphanet 280133, MedGen C3151071, MONDO:0013417, OMIM 613779.

Allele frequency attached by ClinVar (database versions not stated): ExAC 0.00001; gnomAD 0.00001; gnomAD exomes 0.00001; TOPMed 0.00003.
gnomAD v4.1: 12 of 1,613,716 alleles (0.00074%); highest among the groups gnomAD compares: Middle Eastern, 0.016%; no homozygotes.

Submissions (2):

Fulgent Genetics
Classification: Uncertain significance for Age related macular degeneration 9; Atypical hemolytic-uremic syndrome with C3 anomaly; Complement component 3 deficiency. Last evaluated: 2024-05-22. Review status: criteria provided, single submitter. Criteria: ACMG Guidelines, 2015. Collection method: clinical testing. Allele origin: germline.

Labcorp Genetics (formerly Invitae), Labcorp
Classification: Uncertain significance. Last evaluated: 2023-06-14. Review status: criteria provided, single submitter. Criteria: Invitae Variant Classification Sherloc (09022015). Collection method: clinical testing. Allele origin: germline.
Comment: This sequence change replaces glycine, which is neutral and non-polar, with serine, which is neutral and polar, at codon 568 of the C3 protein (p.Gly568Ser). This variant is present in population databases (rs749836289, gnomAD 0.008%). This variant has not been reported in the literature in individuals affected with C3-related conditions. ClinVar contains an entry for this variant (Variation ID: 1377734). Advanced modeling of protein sequence and biophysical properties (such as structural, functional, and spatial information, amino acid conservation, physicochemical variation, residue mobility, and thermodynamic stability) performed at Invitae indicates that this missense variant is not expected to disrupt C3 protein function. In summary, the available evidence is currently insufficient to determine the role of this variant in disease. Therefore, it has been classified as a Variant of Uncertain Significance.